The following is an entry in ClinVar:

ClinVar aggregate classification (germline): Uncertain significance. Review status: criteria provided, multiple submitters, no conflicts (2 of 4 stars). 6 submissions from 6 submitters: Uncertain significance (5). 1 of the submissions does not count toward it. Last evaluated 2025-09-01.

Conditions:
Hereditary cancer-predisposing syndrome. Also called: Tumor predisposition; Hereditary Cancer Syndrome; Hereditary neoplastic syndrome; Neoplastic Syndromes, Hereditary. Identifiers: Orphanet 140162, MedGen C0027672, MeSH D009386, MONDO:0015356.
CHEK2-related cancer predisposition (TPDS4). Also called: CHEK2-related cancer susceptibility; TUMOR PREDISPOSITION SYNDROME 4; CANCER PREDISPOSITION SYNDROME, CHEK2-RELATED. Identifiers: Orphanet 524, MedGen C5882668, MONDO:0700271, OMIM 609265.
Familial cancer of breast. Also called: BREAST CANCER, FAMILIAL; Hereditary breast cancer; hereditary breast carcinoma. Identifiers: Orphanet 227535, MedGen C0346153, MONDO:0016419, OMIM 114480. Disease mechanism: loss of function.

Submissions (6):

Labcorp Genetics (formerly Invitae), Labcorp
Classification: Uncertain significance for Familial cancer of breast. Last evaluated: 2025-09-01. Review status: criteria provided, single submitter. Criteria: Invitae Variant Classification Sherloc (09022015). Collection method: clinical testing. Allele origin: germline.
Comment: This sequence change replaces proline, which is neutral and non-polar, with leucine, which is neutral and non-polar, at codon 471 of the CHEK2 protein (p.Pro471Leu). This variant is not present in population databases (gnomAD no frequency). This missense change has been observed in individual(s) with breast cancer and/or pancreatic cancer (PMID: 31871297, 38476463). ClinVar contains an entry for this variant (Variation ID: 410053). An algorithm developed to predict the effect of missense changes on protein structure and function (PolyPhen-2) suggests that this variant is likely to be disruptive. Experimental studies are conflicting or provide insufficient evidence to determine the effect of this variant on CHEK2 function (PMID: 37449874). In summary, the available evidence is currently insufficient to determine the role of this variant in disease. Therefore, it has been classified as a Variant of Uncertain Significance.

Color Diagnostics, LLC DBA Color Health
Classification: Uncertain significance for Hereditary cancer-predisposing syndrome. Last evaluated: 2025-02-24. Review status: criteria provided, single submitter. Criteria: ACMG Guidelines, 2015. Collection method: clinical testing. Allele origin: germline.
Comment: This missense variant replaces proline with leucine at codon 471 of the CHEK2 protein. Computational prediction is inconclusive regarding the impact of this variant on protein structure and function. Functional studies have reported this variant is functional in a KAP1 kinase assays but had intermediate function in a CHK2 autophosphorylation assay (PMID: 37449874). This variant has been reported in individuals affected with breast and pancreatic cancer (PMID: 31871297, 38476463). This variant has not been identified in the general population by the Genome Aggregation Database (gnomAD). The available evidence is insufficient to determine the role of this variant in disease conclusively. Therefore, this variant is classified as a Variant of Uncertain Significance.

Ambry Genetics
Classification: Uncertain significance for Hereditary cancer-predisposing syndrome. Last evaluated: 2024-10-14. Review status: criteria provided, single submitter. Criteria: Ambry Variant Classification Scheme 2023. Collection method: clinical testing. Allele origin: germline.
Comment: The p.P471L variant (also known as c.1412C>T), located in coding exon 12 of the CHEK2 gene, results from a C to T substitution at nucleotide position 1412. The proline at codon 471 is replaced by leucine, an amino acid with similar properties. This alteration was identified in an individual diagnosed with pancreatic cancer (Goldstein JB et al. Clin Cancer Res, 2020 03;26:1385-1394). This amino acid position is highly conserved in available vertebrate species. In addition, this alteration is predicted to be deleterious by in silico analysis. Based on the available evidence, the clinical significance of this variant remains unclear.

Division of Medical Genetics, University of Washington
Classification: Uncertain significance for Familial cancer of breast. Last evaluated: 2023-06-07. Review status: criteria provided, single submitter. Criteria: ACMG Guidelines, 2015. Collection method: clinical testing. Allele origin: germline. Inheritance: Autosomal dominant inheritance. Affected: no. Study: CSER_CHARM.

GeneDx
Classification: Uncertain significance. Last evaluated: 2023-03-17. Review status: criteria provided, single submitter. Criteria: GeneDx Variant Classification Process June 2021. Collection method: clinical testing. Allele origin: germline. Affected: yes.
Comment: Not observed at significant frequency in large population cohorts (gnomAD); In silico analysis supports that this missense variant has a deleterious effect on protein structure/function; Observed in an individual with pancreatic cancer (Goldstein et al., 2020); This variant is associated with the following publications: (PMID: 19782031, 22419737, 27320919, 29478780, 31871297, 32906215)

Department of Genetics, HCU Lozano Blesa
Classification: Uncertain significance for CHEK2-related cancer predisposition. Last evaluated: 2023-05-01. Review status: no assertion criteria provided. Collection method: clinical testing. Allele origin: germline. Affected: yes. Observed: 2 variant alleles. Not counted in ClinVar's aggregate classification.
Comment: Variant summary: CHEK2 c.1412C>T results in the replacement of Pro471 by a Leu residue (p.Pro471Leu). The variant was identified in 1 out of 396 patients analysed (freq: 0.0025, doi: 10.3389/fgene.2023.1274108). Pro471 is located in the kinase domain, appears partly exposed, its buried face is packed onto the residue Arg474 (at the same monomer). Both Pro471 and Arg474 integrate an 8-residue turn (Val468 to Phe475) connecting short α-helices. The turn gets packed against the T-loop (from the second monomer), thus favoring homodimerization. Replacing Pro471 by a leucine residue even if does not bring about a significant steric or chemical change may lead to an increased flexibility in the turn, which could affect the homodimerization of the protein and thus its function. Five reports in ClinVar classify the variant as of Uncertain Significance, while the variant does not appear reported in gnomAD v4 as of now. Other replacements found at this position (P471T and P471S) are also classified by ClinVar as of Uncertain Significance. The metapredictor PirePred (relies on verdicts from other 15 predictor or metapredictor tools) classify Ala392Val as Pathogenic, whereas the AI-based predictor AlphaMissense and the ACMG classification tool Franklin suggests this variant as VUS (Uncertain Significance). Our in-silico study on the protein stability based on relaxation molecular dynamics simulations (doi: 10.3389/fgene.2023.1274108) indicates that Pro471Leu induces conformational unstability on CHEK2 protein. However, Stolarova L. et al’s functional study on KAP1 phosphorylation and CHEK2 autophosphorylation protein capability did not find this variant as functionally impaired (PMID: 37449874). Although the co-segregation and the structural stability analyses could incline us towards proposing a deleterious effect for this variant, the rest of the available evidence is currently insufficient to determine the role of this variant in disease.

Literature cited by the submitters: PubMed 31871297 (cited by 3 submitters); PubMed 38476463 (cited by Labcorp Genetics (formerly Invitae), Labcorp and Color Diagnostics, LLC DBA Color Health); PubMed 37449874 (cited by Labcorp Genetics (formerly Invitae), Labcorp and Color Diagnostics, LLC DBA Color Health); PubMed 29478780 (cited by Ambry Genetics); DOI 10.3389/fgene.2023.1274108 (cited by Department of Genetics, HCU Lozano Blesa).

NM_007194.4(CHEK2):c.1412C>T (p.Pro471Leu)

Gene: CHEK2 (checkpoint kinase 2; minus strand). Cytogenetic location: 22q12.1.
Variant type: single nucleotide variant.
Coding change: c.1412C>T on transcript NM_007194.4 (MANE Select); coding-DNA position 1412, C replaced by T.
Protein change: p.Pro471Leu; replaces proline 471 with leucine.
Molecular consequence: missense variant.
Genome position (GRCh38, 1-based): chr22:28,694,081, G>A on the plus strand (C>T on the coding strand, the complement: CHEK2 is on the minus strand). VCF-style: chr22-28694081-G-A. GRCh37 (hg19) VCF-style: chr22-29090069-G-A.
Other names: c.1541C>T, p.Pro514Leu (NM_001005735.3); c.749C>T, p.Pro250Leu (NM_001257387.3); c.1211C>T, p.Pro404Leu (NM_001349956.3); c.1325C>T, p.Pro442Leu (NM_145862.3); short protein forms P471L, P404L, P250L, P514L, P442L.
Identifiers: ClinVar variation 410053 (VCV000410053.27), dbSNP rs1060502713, ClinGen allele CA16616329.